The following is an entry in ClinVar:

ClinVar aggregate classification (germline): Likely benign (1 of 4 stars; one submission).

gnomAD v4.1: 19 of 1,608,718 alleles (0.0012%); highest among the groups gnomAD compares: Admixed American, 0.0034%; no homozygotes.

Submission:

CeGaT Center for Human Genetics Tuebingen
Classification: Likely benign. Last evaluated: 2025-11-01. Review status: criteria provided, single submitter. Criteria: CeGaT Center For Human Genetics Tuebingen Variant Classification Criteria Version 2. Collection method: clinical testing. Allele origin: germline. Affected: yes. Observed: 1 variant allele.
Comment: ZP2: BP4, BP7

NM_001376232.1(ZP2):c.1641G>A (p.Ala547=)

Gene: ZP2 (zona pellucida glycoprotein 2; minus strand). Cytogenetic location: 16p12.2.
Variant type: single nucleotide variant.
Coding change: c.1641G>A on transcript NM_001376232.1 (MANE Select); coding-DNA position 1641, G replaced by A.
Protein change: p.Ala547=; no amino-acid change (alanine 547 retained).
Molecular consequence: synonymous variant. On other transcripts: non-coding transcript variant (1).
Genome position (GRCh38, 1-based): chr16:21,201,422, C>T on the plus strand (G>A on the coding strand, the complement: ZP2 is on the minus strand). VCF-style: chr16-21201422-C-T. GRCh37 (hg19) VCF-style: chr16-21212743-C-T.
Other names: c.1614G>A, p.Ala538= (NM_001376231.1); c.1641G>A, p.Ala547= (NM_001376233.1, NM_003460.2).
Identifiers: ClinVar variation 4533598 (VCV004533598.6).